The following is an entry in ClinVar:

NM_014484.5(MOCS3):c.788T>G (p.Ile263Ser)

Gene: MOCS3 (molybdenum cofactor synthesis 3; plus strand). Cytogenetic location: 20q13.13.
Variant type: single nucleotide variant.
Coding change: c.788T>G on transcript NM_014484.5 (MANE Select); coding-DNA position 788, T replaced by G.
Protein change: p.Ile263Ser; replaces isoleucine 263 with serine.
Molecular consequence: missense variant.
Genome position (GRCh38, 1-based): chr20:50,959,630, T>G. VCF-style: chr20-50959630-T-G. GRCh37 (hg19) VCF-style: chr20-49576167-T-G.
Other names: short protein forms I263S.
Identifiers: ClinVar variation 4711749 (VCV004711749.1).

ClinVar aggregate classification (germline): Uncertain significance (1 of 4 stars; one submission).

Submission:

Labcorp Genetics (formerly Invitae), Labcorp
Classification: Uncertain significance. Last evaluated: 2025-06-12. Review status: criteria provided, single submitter. Criteria: Invitae Variant Classification Sherloc (09022015). Collection method: clinical testing. Allele origin: germline.
Comment: This sequence change replaces isoleucine, which is neutral and non-polar, with serine, which is neutral and polar, at codon 263 of the MOCS3 protein (p.Ile263Ser). This variant is not present in population databases (gnomAD no frequency). This variant has not been reported in the literature in individuals affected with MOCS3-related conditions. An algorithm developed to predict the effect of missense changes on protein structure and function (PolyPhen-2) suggests that this variant is likely to be disruptive. In summary, the available evidence is currently insufficient to determine the role of this variant in disease. Therefore, it has been classified as a Variant of Uncertain Significance.